The following is an entry in ClinVar:

NM_018685.5(ANLN):c.31C>T (p.Arg11Ter)

Gene: ANLN (anillin, actin binding protein; plus strand). Cytogenetic location: 7p14.2.
Variant type: single nucleotide variant.
Coding change: c.31C>T on transcript NM_018685.5 (MANE Select); coding-DNA position 31, C replaced by T.
Protein change: p.Arg11Ter; replaces arginine 11 with a stop codon.
Molecular consequence: nonsense.
Genome position (GRCh38, 1-based): chr7:36,396,278, C>T. VCF-style: chr7-36396278-C-T. GRCh37 (hg19) VCF-style: chr7-36435887-C-T.
Other names: c.31C>T, p.Arg11Ter (NM_001284301.3, NM_001284302.3); short protein forms R11*.
Identifiers: ClinVar variation 599127 (VCV000599127.14), dbSNP rs200989750, ClinGen allele CA4219248.
Genomic context (GRCh38, chr7:36,396,278, plus strand): 5'-ACCTTTGATTAAACTTGTGTTTTAACACTGATATATTTATTTATGTAGAAACTGCTGGAG[C>T]GAACCCGTGCCAGGCGAGAGAATCTTCAGAGAAAAATGGCTGAGAGGCCCACAGCAGCTC-3'

ClinVar aggregate classification (germline): Conflicting classifications of pathogenicity. Review status: criteria provided, conflicting classifications (1 of 4 stars). 7 submissions from 7 submitters: Uncertain significance (5); Likely benign (1). 1 of the submissions does not count toward it. Last evaluated 2026-05-18.

Conditions:
ANLN-related disorder. Also called: ANLN-related condition.
Focal segmental glomerulosclerosis 8 (FSGS8). Identifiers: Orphanet 656, MedGen C4014993, MONDO:0014462, OMIM 616032.

Allele frequency attached by ClinVar (database versions not stated): ESP Exome Variant Server 0.00008; gnomAD exomes 0.00017 and 0.00037; ExAC 0.00019; TOPMed 0.00022; gnomAD 0.00023.
gnomAD v4.1: 555 of 1,600,342 alleles (0.035%); highest among the groups gnomAD compares: South Asian, 0.064%; no homozygotes.

Submissions (7):

PreventionGenetics, part of Exact Sciences
Classification: Uncertain significance for ANLN-related condition. Last evaluated: 2026-05-18. Review status: criteria provided, single submitter. Criteria: ACMG Guidelines, 2015. Collection method: clinical testing. Allele origin: germline.
Comment: The ANLN c.31C>T variant is predicted to result in premature protein termination (p.Arg11*). This variant has been reported in patients with steroid-resistant nephrotic syndrome (SRNS; Bezdíčka et al. 2018. PubMed ID: 29869118). This variant is reported in 0.054% of alleles in individuals of South Asian descent in gnomAD v2.1.1, including over 500 individuals in the larger gnomAD v4.1.0 database. Although we suspect that this variant may be benign, at this time, the clinical significance of this variant is uncertain due to the absence of conclusive functional and genetic evidence.

CeGaT Center for Human Genetics Tuebingen
Classification: Likely benign. Last evaluated: 2026-05-01. Review status: criteria provided, single submitter. Criteria: CeGaT Center For Human Genetics Tuebingen Variant Classification Criteria Version 2. Collection method: clinical testing. Allele origin: germline. Affected: yes. Observed: 1 variant allele.
Comment: ANLN: PVS1:Supporting, BS2

Labcorp Genetics (formerly Invitae), Labcorp
Classification: Uncertain significance. Last evaluated: 2025-11-13. Review status: criteria provided, single submitter. Criteria: Invitae Variant Classification Sherloc (09022015). Collection method: clinical testing. Allele origin: germline.
Comment: This sequence change creates a premature translational stop signal (p.Arg11*) in the ANLN gene. It is expected to result in an absent or disrupted protein product. However, the current clinical and genetic evidence is not sufficient to establish whether loss-of-function variants in ANLN cause disease. This variant is present in population databases (rs200989750, gnomAD 0.06%), and has an allele count higher than expected for a pathogenic variant. This premature translational stop signal has been observed in individual(s) with focal segmental glomerulosclerosis (PMID: 29869118). ClinVar contains an entry for this variant (Variation ID: 599127). In summary, the available evidence is currently insufficient to determine the role of this variant in disease. Therefore, it has been classified as a Variant of Uncertain Significance.

Department of Pathology and Laboratory Medicine, Sinai Health System
Classification: Uncertain significance for focal segmental glomerulosclerosis 8. Last evaluated: 2022-05-12. Review status: criteria provided, single submitter. Criteria: ACMG Guidelines, 2015. Collection method: research. Allele origin: germline.

Fulgent Genetics
Classification: Uncertain significance for Focal segmental glomerulosclerosis 8. Last evaluated: 2022-02-07. Review status: criteria provided, single submitter. Criteria: ACMG Guidelines, 2015. Collection method: clinical testing. Allele origin: unknown.

Breakthrough Genomics
Classification: Uncertain significance. Review status: criteria provided, single submitter. Criteria: ACMG Guidelines, 2015. Collection method: not provided. Allele origin: germline. Inheritance: Autosomal dominant inheritance. Affected: yes.

Bioscientia Institut fuer Medizinische Diagnostik GmbH, Sonic Healthcare
Classification: Uncertain significance for Focal segmental glomerulosclerosis 8. Last evaluated: 2018-05-17. Review status: no assertion criteria provided. Collection method: clinical testing. Allele origin: germline. Affected: yes. Not counted in ClinVar's aggregate classification.

Literature cited by the submitters: PubMed 29869118 (cited by Labcorp Genetics (formerly Invitae), Labcorp).